The following is an entry in ClinVar:

ClinVar aggregate classification (germline): Uncertain significance (1 of 4 stars; one submission).

Conditions:
Noonan syndrome 8 (NS8). Identifiers: Orphanet 648, MedGen C3809233, MONDO:0014143, OMIM 615355.

Submission:

Victorian Clinical Genetics Services, Murdoch Childrens Research Institute
Classification: Uncertain significance for Noonan syndrome 8. Last evaluated: 2023-07-17. Review status: criteria provided, single submitter. Criteria: ACMG Guidelines, 2015. Collection method: clinical testing. Allele origin: germline. Inheritance: Autosomal dominant inheritance.
Comment: Based on the classification scheme VCGS_Germline_v1.3.4, this variant is classified as VUS-3B. Following criteria are met: 0101 - Gain of function is a known mechanism of disease in this gene and is associated with Noonan syndrome 8 (MIM#615355). Missense variants have been functionally proven to have improved transactivation ability (PMID: 23791108). (I) 0107 - This gene is associated with autosomal dominant disease. (I) 0200 - Variant is predicted to result in a missense amino acid change from arginine to threonine. (I) 0251 - This variant is heterozygous. (I) 0301 - Variant is absent from gnomAD (both v2 and v3). (SP) 0309 - Alternative amino acid changes at the same position have each been observed in gnomAD (v2 or v3) (1 heterozygote, 0 homozygotes). (I) 0502 - Missense variant with conflicting in silico predictions and uninformative conservation. (I) 0600 - Variant is located in the annotated Rit_Rin_Ric domain (NCBI). (I) 0710 - Another missense variant comparable to the one identified in this case has inconclusive previous evidence for pathogenicity. This alternative change (p.Arg184Met) has been reported as a VUS (ClinVar). (I) 0807 - This variant has no previous evidence of pathogenicity. (I) 0905 - No published segregation evidence has been identified for this variant. (I) 1007 - No published functional evidence has been identified for this variant. (I) 1208 - Inheritance information for this variant is not currently available in this individual. (I) Legend: (SP) - Supporting pathogenic, (I) - Information, (SB) - Supporting benign

Literature cited by the submitters: PubMed 23791108.

NM_006912.6(RIT1):c.551G>C (p.Arg184Thr)

Gene: RIT1 (Ras like without CAAX 1; minus strand). Cytogenetic location: 1q22.
Variant type: single nucleotide variant.
Coding change: c.551G>C on transcript NM_006912.6 (MANE Select); coding-DNA position 551, G replaced by C.
Protein change: p.Arg184Thr; replaces arginine 184 with threonine.
Molecular consequence: missense variant.
Genome position (GRCh38, 1-based): chr1:155,900,497, C>G on the plus strand (G>C on the coding strand, the complement: RIT1 is on the minus strand). VCF-style: chr1-155900497-C-G. GRCh37 (hg19) VCF-style: chr1-155870288-C-G.
Other names: c.443G>C, p.Arg148Thr (NM_001256820.2); c.602G>C, p.Arg201Thr (NM_001256821.2); short protein forms R148T, R184T, R201T.
Identifiers: ClinVar variation 3254783 (VCV003254783.1), dbSNP rs1401658925.